The following is an entry in ClinVar:

NM_001024630.4(RUNX2):c.174_191del (p.Gln66_Gln71del)

Genes: RUNX2 (RUNX family transcription factor 2; plus strand), LOC109611589 (runt related transcription factor 2 polyalanine expansion region; plus strand). Cytogenetic location: 6p21.1.
Variant type: Deletion.
Coding change: c.174_191del on transcript NM_001024630.4 (MANE Select); coding-DNA positions 174 to 191, 18 bases deleted (ACAGCAGCAGCAGCAGCA).
Protein change: p.Gln66_Gln71del.
Molecular consequence: inframe deletion. On other transcripts: inframe indel (1).
Genome position (GRCh38, 1-based): chr6:45,422,708-45,422,725, ACAGCAGCAGCAGCAGCA deleted; deleting any 18 consecutive bases within chr6:45,422,694-45,422,725 gives the same sequence; the c. name uses the placement nearest the transcript's 3' end. VCF-style (leftmost placement, unchanged base first): chr6-45422693-ACAGCAGCAGCAGCAACAG-A. GRCh37 (hg19) VCF-style: chr6-45390430-ACAGCAGCAGCAGCAACAG-A.
Other names: c.174_191del, p.Gln66_Gln71del (NM_001015051.4); c.132_149del, p.Gln52_Gln57del (NM_001278478.2, NM_001369405.1); c.132_149del18, p.Gln52_Gln57del (NM_004348.3).
Identifiers: ClinVar variation 2719910 (VCV002719910.3), dbSNP rs747643938, ClinGen allele CA3836278.

ClinVar aggregate classification (germline): Uncertain significance (1 of 4 stars; one submission).

Submission:

Labcorp Genetics (formerly Invitae), Labcorp
Classification: Uncertain significance. Last evaluated: 2025-12-08. Review status: criteria provided, single submitter. Criteria: Invitae Variant Classification Sherloc (09022015). Collection method: clinical testing. Allele origin: germline.
Comment: This variant, c.174_191del, results in the deletion of 6 amino acid(s) of the RUNX2 protein (p.Gln66_Gln71del), but otherwise preserves the integrity of the reading frame. This variant is not present in population databases (gnomAD no frequency). This variant has not been reported in the literature in individuals affected with RUNX2-related conditions. ClinVar contains an entry for this variant (Variation ID: 2719910). Experimental studies and prediction algorithms are not available or were not evaluated, and the functional significance of this variant is currently unknown. In summary, the available evidence is currently insufficient to determine the role of this variant in disease. Therefore, it has been classified as a Variant of Uncertain Significance.